The following is an entry in ClinVar:

NM_000246.4(CIITA):c.848G>A (p.Arg283Gln)

Gene: CIITA (class II major histocompatibility complex transactivator; plus strand). Cytogenetic location: 16p13.13.
Variant type: single nucleotide variant.
Coding change: c.848G>A on transcript NM_000246.4 (MANE Select); coding-DNA position 848, G replaced by A.
Protein change: p.Arg283Gln; replaces arginine 283 with glutamine.
Molecular consequence: missense variant. On other transcripts: non-coding transcript variant (1).
Genome position (GRCh38, 1-based): chr16:10,903,806, G>A. VCF-style: chr16-10903806-G-A. GRCh37 (hg19) VCF-style: chr16-10997663-G-A.
Other names: c.851G>A, p.Arg284Gln (NM_001286402.1, NM_001379332.1); c.701G>A, p.Arg234Gln (NM_001286403.2, NM_001379331.1); c.704G>A, p.Arg235Gln (NM_001379330.1); c.848G>A, p.Arg283Gln (NM_001379333.1); c.779G>A, p.Arg260Gln (NM_001379334.1); short protein forms R234Q, R235Q, R283Q, R284Q, R260Q.
Identifiers: ClinVar variation 2198052 (VCV002198052.1), dbSNP rs767768296, ClinGen allele CA277741567.

ClinVar aggregate classification (germline): Uncertain significance (1 of 4 stars; one submission).

Conditions:
MHC class II deficiency. Also called: Bare lymphocyte syndrome 2; BLS, TYPE II. Identifiers: Orphanet 572, MedGen C5447452, MONDO:0008855.

Allele frequency attached by ClinVar (database versions not stated): TOPMed 0.00002; gnomAD 0.00003.
gnomAD v4.1: 29 of 1,613,988 alleles (0.0018%); highest among the groups gnomAD compares: African/African-American, 0.004%; no homozygotes.

Submission:

Labcorp Genetics (formerly Invitae), Labcorp
Classification: Uncertain significance for MHC class II deficiency. Last evaluated: 2022-08-21. Review status: criteria provided, single submitter. Criteria: Invitae Variant Classification Sherloc (09022015). Collection method: clinical testing. Allele origin: germline.
Comment: This sequence change replaces arginine, which is basic and polar, with glutamine, which is neutral and polar, at codon 283 of the CIITA protein (p.Arg283Gln). This variant is present in population databases (no rsID available, gnomAD 0.006%). This variant has not been reported in the literature in individuals affected with CIITA-related conditions. Algorithms developed to predict the effect of missense changes on protein structure and function (SIFT, PolyPhen-2, Align-GVGD) all suggest that this variant is likely to be tolerated. In summary, the available evidence is currently insufficient to determine the role of this variant in disease. Therefore, it has been classified as a Variant of Uncertain Significance.